The following is an entry in ClinVar:

ClinVar aggregate classification (germline): Pathogenic. Review status: criteria provided, multiple submitters, no conflicts (2 of 4 stars). 4 submissions from 4 submitters: Pathogenic (3). 1 of the submissions does not count toward it. Last evaluated 2022-09-01.

Conditions:
Hereditary spastic paraplegia 31. Also called: SPASTIC PARAPLEGIA 31, AUTOSOMAL DOMINANT. Identifiers: Orphanet 101011, MedGen C1853247, MONDO:0012453, OMIM 610250.
Hereditary spastic paraplegia. Also called: Familial spastic paraparesis. Identifiers: Orphanet 685, MedGen C0037773, MONDO:0019064. Disease mechanism: loss of function.

Submissions (4):

Labcorp Genetics (formerly Invitae), Labcorp
Classification: Pathogenic for Hereditary spastic paraplegia 31. Last evaluated: 2022-09-01. Review status: criteria provided, single submitter. Criteria: Invitae Variant Classification Sherloc (09022015). Collection method: clinical testing. Allele origin: germline.
Comment: For these reasons, this variant has been classified as Pathogenic. This variant results in an extension of the REEP1 protein. Other variant(s) that result in a similarly extended protein product (p.Pro172Hisfs*51) have been determined to be pathogenic (Invitae). This suggests that these extensions are likely to be disease-causing. ClinVar contains an entry for this variant (Variation ID: 1859). This variant is also known as c.507delC. This frameshift has been observed in individual(s) with hereditary spastic paraplegia (PMID: 16826527, 30637453). It has also been observed to segregate with disease in related individuals. This variant is not present in population databases (gnomAD no frequency). This sequence change results in a frameshift in the REEP1 gene (p.Pro171Hisfs*52). While this is not anticipated to result in nonsense mediated decay, it is expected to disrupt the last 31 amino acid(s) of the REEP1 protein and extend the protein by 20 additional amino acid residues.

Genome Diagnostics Laboratory, The Hospital for Sick Children
Classification: Pathogenic for Hereditary spastic paraplegia. Last evaluated: 2019-05-17. Review status: criteria provided, single submitter. Criteria: ACMG Guidelines, 2015. Collection method: clinical testing. Allele origin: germline. Affected: yes.

Equipe Genetique des Anomalies du Developpement, Université de Bourgogne
Classification: Pathogenic for Spastic paraplegia 31, autosomal dominant. Last evaluated: 2017-05-17. Review status: criteria provided, single submitter. Criteria: ACMG Guidelines, 2015. Collection method: clinical testing. Allele origin: unknown. Affected: yes.

OMIM
Classification: Pathogenic for SPASTIC PARAPLEGIA 31, AUTOSOMAL DOMINANT. Last evaluated: 2006-08-01. Review status: no assertion criteria provided. Collection method: literature only. Allele origin: germline. Not counted in ClinVar's aggregate classification.

Literature cited by the submitters: PubMed 16826527 (cited by Labcorp Genetics (formerly Invitae), Labcorp and OMIM); PubMed 30637453 (cited by Labcorp Genetics (formerly Invitae), Labcorp and OMIM).

NM_001371279.1(REEP1):c.512del (p.Pro171fs)

Gene: REEP1 (receptor accessory protein 1; minus strand). Cytogenetic location: 2p11.2.
Variant type: Deletion.
Coding change: c.512del on transcript NM_001371279.1 (MANE Select); coding-DNA position 512, one base deleted (C; older notation c.512delC).
Protein change: p.Pro171fs; shifts the reading frame from proline 171.
Molecular consequence: frameshift variant. On other transcripts: intron variant (1).
Genome position (GRCh38, 1-based): chr2:86,232,708, G deleted on the plus strand (C on the coding strand, the reverse complement: REEP1 is on the minus strand); the first of 6 consecutive G bases (chr2:86,232,708-86,232,713); deleting any one gives the same sequence. VCF-style (leftmost placement, unchanged base first): chr2-86232707-TG-T. GRCh37 (hg19) VCF-style: chr2-86459830-TG-T.
Other names: c.533del, p.Pro178fs (NM_001164730.2); c.431del, p.Pro144fs (NM_001164731.2); c.277del, p.His93fs (NM_001164732.2); c.512del, p.Pro171fs (NM_022912.3); c.418-15598del (NM_001371280.1); c.512delC (NM_022912.2); short protein forms P171fs, P178fs, H93fs, P144fs.
Identifiers: ClinVar variation 1859 (VCV000001859.9), dbSNP rs387906263, ClinGen allele CA115243.
Genomic context (GRCh38, chr2:86,232,707, plus strand): 5'-AGCACTCCTGGACATCTTAGGCTGGCCGTGTTTGCCGCTGGCCCGCCCAGACCCCGGTGG[TG>T]GGGGGCCCGAGGGAGCAGGGGCGCCGTCTCCCCTGATGGTGGTGAGGTCCTGCATGCTGA-3'